The following is an entry in ClinVar:

ClinVar aggregate classification (germline): Uncertain significance (1 of 4 stars; one submission).

Conditions:
Short-rib thoracic dysplasia 6 with or without polydactyly (SRTD6). Also called: Majewski Syndrome; SHORT-RIB THORACIC DYSPLASIA 6 WITH POLYDACTYLY; SHORT-RIB THORACIC DYSPLASIA 6 WITHOUT POLYDACTYLY; SHORT RIB-POLYDACTYLY SYNDROME, TYPE IIA; POLYDACTYLY WITH NEONATAL CHONDRODYSTROPHY, TYPE II. Identifiers: MedGen C0024507, MONDO:0009894, OMIM 263520.

Submission:

Labcorp Genetics (formerly Invitae), Labcorp
Classification: Uncertain significance for Short-rib thoracic dysplasia 6 with or without polydactyly. Last evaluated: 2021-10-12. Review status: criteria provided, single submitter. Criteria: Invitae Variant Classification Sherloc (09022015). Collection method: clinical testing. Allele origin: germline.
Comment: This variant has not been reported in the literature in individuals affected with NEK1-related conditions. In summary, the available evidence is currently insufficient to determine the role of this variant in disease. Therefore, it has been classified as a Variant of Uncertain Significance. Advanced modeling of protein sequence and biophysical properties (such as structural, functional, and spatial information, amino acid conservation, physicochemical variation, residue mobility, and thermodynamic stability) performed at Invitae indicates that this missense variant is not expected to disrupt NEK1 protein function. This variant is not present in population databases (ExAC no frequency). This sequence change replaces aspartic acid with valine at codon 937 of the NEK1 protein (p.Asp937Val). The aspartic acid residue is moderately conserved and there is a large physicochemical difference between aspartic acid and valine.

NM_001199397.3(NEK1):c.2894A>T (p.Asp965Val)

Gene: NEK1 (NIMA related kinase 1; minus strand). Cytogenetic location: 4q33.
Variant type: single nucleotide variant.
Coding change: c.2894A>T on transcript NM_001199397.3 (MANE Select); coding-DNA position 2894, A replaced by T.
Protein change: p.Asp965Val; replaces aspartic acid 965 with valine.
Molecular consequence: missense variant. On other transcripts: non-coding transcript variant (1).
Genome position (GRCh38, 1-based): chr4:169,426,226, T>A on the plus strand (A>T on the coding strand, the complement: NEK1 is on the minus strand). VCF-style: chr4-169426226-T-A. GRCh37 (hg19) VCF-style: chr4-170347377-T-A.
Other names: c.2762A>T, p.Asp921Val (NM_001199398.3); c.2603A>T, p.Asp868Val (NM_001199399.3); c.2678A>T, p.Asp893Val (NM_001199400.3); c.2894A>T, p.Asp965Val (NM_001374418.1); c.2810A>T, p.Asp937Val (NM_001374419.1, NM_012224.4); c.2759A>T, p.Asp920Val (NM_001374420.1); c.2411A>T, p.Asp804Val (NM_001374421.1); short protein forms D804V, D893V, D965V, D868V, D921V, D937V, D920V.
Identifiers: ClinVar variation 1467171 (VCV001467171.6), dbSNP rs2111355616, ClinGen allele CA358801837.
Genomic context (GRCh38, chr4:169,426,226, plus strand): 5'-TGGTCCACAGTACTCGAGACTCCATCTTCAGAAACTTCATTTTCCTGAATGGTGATCCTA[T>A]CTGCCGACCTGCCACAGATGGGTACACCAATTAAAAACACACACACTTAGTTTACCAGAA-3'
Protein context (NP_001186326.1, residues 955-975): EKETKETQSA[Asp965Val]RITIQENEVS